The following is an entry in ClinVar:

NM_000069.3(CACNA1S):c.2327C>A (p.Ala776Asp)

Gene: CACNA1S (calcium voltage-gated channel subunit alpha1 S; minus strand). Cytogenetic location: 1q32.1.
Variant type: single nucleotide variant.
Coding change: c.2327C>A on transcript NM_000069.3 (MANE Select); coding-DNA position 2327, C replaced by A.
Protein change: p.Ala776Asp; replaces alanine 776 with aspartic acid.
Molecular consequence: missense variant.
Genome position (GRCh38, 1-based): chr1:201,070,305, G>T on the plus strand (C>A on the coding strand, the complement: CACNA1S is on the minus strand). VCF-style: chr1-201070305-G-T. GRCh37 (hg19) VCF-style: chr1-201039433-G-T.
Other names: short protein forms A776D.
Identifiers: ClinVar variation 548460 (VCV000548460.6), dbSNP rs1428214499, ClinGen allele CA344108757.

ClinVar aggregate classification (germline): Uncertain significance. Review status: criteria provided, multiple submitters, no conflicts (2 of 4 stars). 2 submissions from 2 submitters: Uncertain significance (2). Last evaluated 2024-01-24.

Conditions:
Malignant hyperthermia, susceptibility to, 5 (MHS5). Also called: CACNA1S-Related Malignant Hyperthermia Susceptibility. Identifiers: Orphanet 423, MedGen C1866077, MONDO:0011163, OMIM 601887.
Hypokalemic periodic paralysis, type 1. Also called: Hypokalemic Periodic Paralysis Type 1 (AD); HypoPP. Identifiers: Orphanet 681, MedGen C3714580, MONDO:0042979, OMIM 170400.

Allele frequency attached by ClinVar (database versions not stated): gnomAD 0.00001; TOPMed 0.00003.
gnomAD v4.1: 1 of 1,613,952 alleles (0.000062%); highest among the groups gnomAD compares: East Asian, 0.0022%; no homozygotes.

Submissions (2):

All of Us Research Program, National Institutes of Health
Classification: Uncertain significance for Malignant hyperthermia, susceptibility to, 5. Last evaluated: 2024-01-24. Review status: criteria provided, single submitter. Criteria: ACMG Guidelines, 2015. Collection method: clinical testing. Allele origin: germline. Inheritance: Autosomal dominant inheritance. Observed: 1 variant allele, 1 heterozygote.
Comment: This study involves interpretation of variants in research participants for the purpose of population health screening. Participant phenotype was not available at the time of variant classification. Additional details can be found in publication PMID: 35346344, PMCID: PMC8962531

Genomic Research Center, Shahid Beheshti University of Medical Sciences
Classification: Uncertain significance for Hypokalemic periodic paralysis, type 1. Last evaluated: 2018-03-05. Review status: criteria provided, single submitter. Criteria: ACMG Guidelines, 2015. Collection method: clinical testing. Allele origin: inherited. Affected: yes. Observed: 1 variant allele.